The following is an entry in ClinVar:

NM_002972.4(SBF1):c.2396+14T>G

Gene: SBF1 (SET binding factor 1; minus strand). Cytogenetic location: 22q13.33.
Variant type: single nucleotide variant.
Coding change: c.2396+14T>G on transcript NM_002972.4 (MANE Select); 14 bases into the intron after coding-DNA position 2396, T replaced by G.
Molecular consequence: intron variant.
Genome position (GRCh38, 1-based): chr22:50,462,191, A>C on the plus strand (T>G on the coding strand, the complement: SBF1 is on the minus strand). VCF-style: chr22-50462191-A-C. GRCh37 (hg19) VCF-style: chr22-50900620-A-C.
Other names: c.2396+14T>G (NM_001410795.1); c.2399+14T>G (NM_001365819.1, NM_001410794.1).
Identifiers: ClinVar variation 3895737 (VCV003895737.1).

ClinVar aggregate classification (germline): Likely benign (1 of 4 stars; one submission).

gnomAD v4.1: 1 of 1,604,032 alleles (0.000062%); highest among the groups gnomAD compares: African/African-American, 0.0013%; no homozygotes.

Submission:

Women's Health and Genetics/Laboratory Corporation of America, LabCorp
Classification: Likely benign. Last evaluated: 2025-03-10. Review status: criteria provided, single submitter. Criteria: LabCorp Variant Classification Summary - May 2015. Collection method: clinical testing. Allele origin: germline.
Comment: Variant summary: SBF1 c.2396+14T>G alters a non-conserved nucleotide located at a position not widely known to affect splicing. Consensus agreement among computation tools predict no significant impact on normal splicing. However, these predictions have yet to be confirmed by functional studies. The variant allele was found at a frequency of 4.1e-06 in 243062 control chromosomes. The available data on variant occurrences in the general population are insufficient to allow any conclusion about variant significance. To our knowledge, no occurrence of c.2396+14T>G in individuals affected with Charcot-Marie-Tooth disease type 4B3 and no experimental evidence demonstrating its impact on protein function have been reported. No submitters have cited clinical-significance assessments for this variant to ClinVar. Based on the evidence outlined above, the variant was classified as likely benign.